The following is an entry in ClinVar:

NM_201596.3(CACNB2):c.1489G>T (p.Gly497Cys)

Gene: CACNB2 (calcium voltage-gated channel auxiliary subunit beta 2; plus strand). Cytogenetic location: 10p12.31.
Variant type: single nucleotide variant.
Coding change: c.1489G>T on transcript NM_201596.3 (MANE Select); coding-DNA position 1489, G replaced by T.
Protein change: p.Gly497Cys; replaces glycine 497 with cysteine.
Molecular consequence: missense variant.
Genome position (GRCh38, 1-based): chr10:18,539,230, G>T. VCF-style: chr10-18539230-G-T. GRCh37 (hg19) VCF-style: chr10-18828159-G-T.
Other names: c.1324G>T, p.Gly442Cys (NM_000724.4); c.1291G>T, p.Gly431Cys (NM_001167945.2); c.1210G>T, p.Gly404Cys (NM_001330060.2); c.1231G>T, p.Gly411Cys (NM_001410882.1); c.1345G>T, p.Gly449Cys (NM_201570.3); c.1405G>T, p.Gly469Cys (NM_201571.4); c.1333G>T, p.Gly445Cys (NM_201572.4); c.1327G>T, p.Gly443Cys (NM_201590.3); and 2 more; short protein forms G431C, G442C, G449C, G411C, G445C, G469C, G404C, G473C.
Identifiers: ClinVar variation 2447825 (VCV002447825.2), dbSNP rs1220629347, ClinGen allele CA376071065.
Genomic context (GRCh38, chr10:18,539,230, plus strand): 5'-GGGACATGTTCTTTACACACTGACCTTGGTTAACGCCTGGTGTGCTCCTTTCGCTGCCAG[G>T]GTTCTCAAGGTGATCAGAGGACTGATCGCTCCGCTCCTATCCGTTCTGCTTCCCAAGCTG-3'
Protein context (NP_963890.2, residues 487-507): LSPTLASNSQ[Gly497Cys]SQGDQRTDRS

ClinVar aggregate classification (germline): Uncertain significance (1 of 4 stars; one submission).

Conditions:
Cardiovascular phenotype. Identifiers: MedGen CN230736.

gnomAD v4.1: 2 of 1,613,958 alleles (0.00012%); highest among the groups gnomAD compares: Non-Finnish European, 0.000085%; no homozygotes.

Submission:

Ambry Genetics
Classification: Uncertain significance for Cardiovascular phenotype. Last evaluated: 2023-02-05. Review status: criteria provided, single submitter. Criteria: Ambry Variant Classification Scheme 2023. Collection method: clinical testing. Allele origin: germline.
Comment: The p.G443C variant (also known as c.1327G>T) is located in coding exon 13 of the CACNB2 gene. The glycine at codon 443 is replaced by cysteine, an amino acid with highly dissimilar properties. This change occurs in the first base pair of coding exon 13. This amino acid position is conserved. In addition, the in silico prediction for this alteration is inconclusive. Since supporting evidence is limited at this time, the clinical significance of this alteration remains unclear.